The following is an entry in ClinVar:

ClinVar aggregate classification (germline): Uncertain significance. Review status: criteria provided, multiple submitters, no conflicts (2 of 4 stars). 3 submissions from 3 submitters: Uncertain significance (3). Last evaluated 2025-08-31.

Conditions:
Epileptic encephalopathy. Identifiers: MedGen C0543888, HP:0200134.
FASN-related disorder. Also called: FASN-related condition.

Allele frequency attached by ClinVar (database versions not stated): gnomAD 0.00001; TOPMed 0.00003; ExAC 0.00006.
gnomAD v4.1: 62 of 1,571,726 alleles (0.0039%); highest among the groups gnomAD compares: South Asian, 0.019%; no homozygotes.

Submissions (3):

Labcorp Genetics (formerly Invitae), Labcorp
Classification: Uncertain significance for Epileptic encephalopathy. Last evaluated: 2025-08-31. Review status: criteria provided, single submitter. Criteria: Invitae Variant Classification Sherloc (09022015). Collection method: clinical testing. Allele origin: germline.
Comment: This sequence change replaces arginine, which is basic and polar, with tryptophan, which is neutral and slightly polar, at codon 1705 of the FASN protein (p.Arg1705Trp). This variant is present in population databases (rs766947051, gnomAD 0.01%). This variant has not been reported in the literature in individuals affected with FASN-related conditions. ClinVar contains an entry for this variant (Variation ID: 662717). An algorithm developed to predict the effect of missense changes on protein structure and function (PolyPhen-2) suggests that this variant is likely to be disruptive. In summary, the available evidence is currently insufficient to determine the role of this variant in disease. Therefore, it has been classified as a Variant of Uncertain Significance.

PreventionGenetics, part of Exact Sciences
Classification: Uncertain significance for FASN-related condition. Last evaluated: 2023-09-25. Review status: criteria provided, single submitter. Criteria: ACMG Guidelines, 2015. Collection method: clinical testing. Allele origin: germline.
Comment: The FASN c.5113C>T variant is predicted to result in the amino acid substitution p.Arg1705Trp. To our knowledge, this variant has not been reported in the literature. This variant is reported in 0.012% of alleles in individuals of South Asian descent in gnomAD. At this time, the clinical significance of this variant is uncertain due to the absence of conclusive functional and genetic evidence.

Center for Genomics, Ann and Robert H. Lurie Children's Hospital of Chicago
Classification: Uncertain significance. Last evaluated: 2021-03-30. Review status: criteria provided, single submitter. Criteria: ACMG Guidelines, 2015. Collection method: clinical testing. Allele origin: germline.
Comment: FASN NM_004104.4 exon 30 p.Arg1705Trp (c.5113C>T):This variant has not been reported in the literature but is present in 0.002% (1/41458) of African alleles in the Genome Aggregation Database. This variant is present in ClinVar (Variation ID:662717). Evolutionary conservation for this variant is unclear; computational predictive tools suggest that this variant may impact the protein. In summary, data on this variant is insufficient for disease classification. Therefore, the clinical significance of this variant is uncertain.

NM_004104.5(FASN):c.5113C>T (p.Arg1705Trp)

Gene: FASN (fatty acid synthase; minus strand). Cytogenetic location: 17q25.3.
Variant type: single nucleotide variant.
Coding change: c.5113C>T on transcript NM_004104.5 (MANE Select); coding-DNA position 5113, C replaced by T.
Protein change: p.Arg1705Trp; replaces arginine 1705 with tryptophan.
Molecular consequence: missense variant.
Genome position (GRCh38, 1-based): chr17:82,083,877, G>A on the plus strand (C>T on the coding strand, the complement: FASN is on the minus strand). VCF-style: chr17-82083877-G-A. GRCh37 (hg19) VCF-style: chr17-80041753-G-A.
Other names: short protein forms R1705W.
Identifiers: ClinVar variation 662717 (VCV000662717.11), dbSNP rs766947051, ClinGen allele CA8851813.